The following is an entry in ClinVar:

ClinVar aggregate classification (germline): Uncertain significance (1 of 4 stars; one submission).

Conditions:
Primary ciliary dyskinesia. Also called: Ciliary dyskinesia. Identifiers: Orphanet 244, MedGen C0008780, MONDO:0016575, HP:0012265.

Submission:

Labcorp Genetics (formerly Invitae), Labcorp
Classification: Uncertain significance for Primary ciliary dyskinesia. Last evaluated: 2023-12-02. Review status: criteria provided, single submitter. Criteria: Invitae Variant Classification Sherloc (09022015). Collection method: clinical testing. Allele origin: germline.
Comment: This sequence change replaces phenylalanine, which is neutral and non-polar, with asparagine, which is neutral and polar, at codon 451 of the DNAI1 protein (p.Phe451Asn). Information on the frequency of this variant in the gnomAD database is not available, as this variant may be reported differently in the database. This variant has not been reported in the literature in individuals affected with DNAI1-related conditions. An algorithm developed to predict the effect of missense changes on protein structure and function (PolyPhen-2) suggests that this variant is likely to be disruptive. This variant disrupts the p.Phe451 amino acid residue in DNAI1. Other variant(s) that disrupt this residue have been determined to be pathogenic (PMID: 31650533; Invitae). This suggests that this residue is clinically significant, and that variants that disrupt this residue are likely to be disease-causing. In summary, the available evidence is currently insufficient to determine the role of this variant in disease. Therefore, it has been classified as a Variant of Uncertain Significance.

Literature cited by the submitters: PubMed 31650533.

NM_012144.4(DNAI1):c.1351_1352inv (p.Phe451Asn)

Gene: DNAI1 (dynein axonemal intermediate chain 1; plus strand). Cytogenetic location: 9p13.3.
Variant type: Inversion.
Coding change: c.1351_1352inv on transcript NM_012144.4 (MANE Select).
Protein change: p.Phe451Asn; replaces phenylalanine 451 with asparagine.
Molecular consequence: missense variant.
Genome position: GRCh38 VCF-style: chr9-34512148-TT-AA. GRCh37 (hg19) VCF-style: chr9-34512146-TT-AA.
Other names: c.1363_1364inv, p.Phe455Asn (NM_001281428.2); short protein forms F451N, F455N.
Identifiers: ClinVar variation 2882276 (VCV002882276.3), ClinGen allele CA2739269228.